The following is an entry in ClinVar:

NM_015001.3(SPEN):c.4521A>G (p.Lys1507=)

Gene: SPEN (spen family transcriptional repressor; plus strand). Cytogenetic location: 1p36.13.
Variant type: single nucleotide variant.
Coding change: c.4521A>G on transcript NM_015001.3 (MANE Select); coding-DNA position 4521, A replaced by G.
Protein change: p.Lys1507=; no amino-acid change (lysine 1507 retained).
Molecular consequence: synonymous variant.
Genome position (GRCh38, 1-based): chr1:15,930,761, A>G. VCF-style: chr1-15930761-A-G. GRCh37 (hg19) VCF-style: chr1-16257256-A-G.
Identifiers: ClinVar variation 3038042 (VCV003038042.2), dbSNP rs10489455, ClinGen allele CA619587.

ClinVar aggregate classification (germline): Benign (0 of 4 stars; one submission).

Conditions:
SPEN-related disorder. Also called: SPEN-related condition.

Allele frequency attached by ClinVar (database versions not stated): gnomAD exomes 0.00323; ExAC 0.01105; gnomAD 0.03516; TOPMed 0.03936; 1000 Genomes Project 0.03954; 1000 Genomes Project 30x 0.04154; ESP Exome Variant Server 0.04183.
gnomAD v4.1: 10,303 of 1,614,162 alleles (0.64%); highest among the groups gnomAD compares: African/African-American, 12%; 578 homozygotes.

Submission:

PreventionGenetics, part of Exact Sciences
Classification: Benign for SPEN-related condition. Last evaluated: 2024-03-29. Review status: no assertion criteria provided. Collection method: clinical testing. Allele origin: germline.
Comment: This variant is classified as benign based on ACMG/AMP sequence variant interpretation guidelines (Richards et al. 2015 PMID: 25741868, with internal and published modifications).